The following is an entry in ClinVar:

NM_019098.5(CNGB3):c.2105del (p.Lys702fs)

Gene: CNGB3 (cyclic nucleotide gated channel subunit beta 3; minus strand). Cytogenetic location: 8q21.3.
Variant type: Deletion.
Coding change: c.2105del on transcript NM_019098.5 (MANE Select); coding-DNA position 2105, one base deleted (A; older notation c.2105delA).
Protein change: p.Lys702fs; shifts the reading frame from lysine 702.
Molecular consequence: frameshift variant.
Genome position (GRCh38, 1-based): chr8:86,576,129, T deleted on the plus strand (A on the coding strand, the reverse complement: CNGB3 is on the minus strand); the first of 2 consecutive T bases (chr8:86,576,129-86,576,130); deleting either gives the same sequence. VCF-style (leftmost placement, unchanged base first): chr8-86576128-CT-C. GRCh37 (hg19) VCF-style: chr8-87588356-CT-C.
Other names: c.2105delA (NM_019098.4); short protein forms K702fs.
Identifiers: ClinVar variation 1354843 (VCV001354843.9), dbSNP rs2131529670, ClinGen allele CA2573143396.

ClinVar aggregate classification (germline): Pathogenic. Review status: criteria provided, multiple submitters, no conflicts (2 of 4 stars). 2 submissions from 2 submitters: Pathogenic (2). Last evaluated 2023-07-16.

Conditions:
Achromatopsia 3 (ACHM3). Also called: TOTAL COLORBLINDNESS WITH MYOPIA; ROD MONOCHROMACY 1; ROD MONOCHROMATISM 1; ACHROMATOPSIA WITH MYOPIA; PINGELAPESE BLINDNESS. Identifiers: Orphanet 49382, MedGen C1849792, MONDO:0009875, OMIM 262300.

Submissions (2):

Victorian Clinical Genetics Services, Murdoch Childrens Research Institute
Classification: Pathogenic for Achromatopsia 3. Last evaluated: 2023-07-16. Review status: criteria provided, single submitter. Criteria: ACMG Guidelines, 2015. Collection method: clinical testing. Allele origin: germline. Inheritance: Autosomal recessive inheritance. Affected: yes.
Comment: Based on the classification scheme VCGS_Germline_v1.3.4, this variant is classified as Pathogenic. Following criteria are met: 0103 - Loss of function and gain of function are known mechanisms of disease in this gene and are associated with achromatopsia 3 (MIM#262300) (PMIDs: 16379026, 23805033). (I) 0106 - This gene is associated with autosomal recessive disease. (I) 0208 - Variant is predicted to result in an elongated protein. (SP) 0251 - This variant is heterozygous. (I) 0301 - Variant is absent from gnomAD (both v2 and v3). (SP) 0604 - Variant is not located in an established domain, motif, hotspot or informative constraint region. (I) 0701 - Other downstream elongation variants comparable to the one identified in this case have very strong previous evidence for pathogenicity. Three elongation variant have been classified as pathogenic by a clinical laboratory in ClinVar, and another two elongation variants have been seen in families with achromatopsia in the literature (PMID: 28795510). (SP) 0803 - This variant has limited previous evidence of pathogenicity in an unrelated individual. This variant has been classified as pathogenic by a clinical laboratory in ClinVar. (SP) 0905 - No published segregation evidence has been identified for this variant. (I) 1007 - No published functional evidence has been identified for this variant. (I) 1208 - Inheritance information for this variant is not currently available in this individual. (I) Legend: (SP) - Supporting pathogenic, (I) - Information, (SB) - Supporting benign

Labcorp Genetics (formerly Invitae), Labcorp
Classification: Pathogenic. Last evaluated: 2021-06-11. Review status: criteria provided, single submitter. Criteria: Invitae Variant Classification Sherloc (09022015). Collection method: clinical testing. Allele origin: germline.
Comment: For these reasons, this variant has been classified as Pathogenic. This variant results in an extension of the CNGB3 protein. Other variant(s) that result in a similarly extended protein product (p.Glu729Metfs*99) have been determined to be pathogenic (Invitae). This suggests that these extensions are likely to be causative of disease. This variant has not been reported in the literature in individuals with CNGB3-related conditions. This variant is not present in population databases (ExAC no frequency). This sequence change results in a frameshift in the CNGB3 gene (p.Lys702Argfs*127). While this is not anticipated to result in nonsense mediated decay, it is expected to disrupt the last 108 amino acid(s) of the CNGB3 protein and extend the protein by 18 additional amino acid residues.

Literature cited by the submitters: PubMed 16379026 (cited by Victorian Clinical Genetics Services, Murdoch Childrens Research Institute); PubMed 23805033 (cited by Victorian Clinical Genetics Services, Murdoch Childrens Research Institute); PubMed 28795510 (cited by Victorian Clinical Genetics Services, Murdoch Childrens Research Institute).